The following is an entry in ClinVar:

ClinVar aggregate classification (germline): Likely pathogenic (1 of 4 stars; one submission).

Submission:

Labcorp Genetics (formerly Invitae), Labcorp
Classification: Likely pathogenic. Last evaluated: 2024-01-20. Review status: criteria provided, single submitter. Criteria: Invitae Variant Classification Sherloc (09022015). Collection method: clinical testing. Allele origin: germline.
Comment: This sequence change affects a donor splice site in intron 6 of the DNAJB13 gene. It is expected to disrupt RNA splicing. Variants that disrupt the donor or acceptor splice site typically lead to a loss of protein function (PMID: 16199547), and loss-of-function variants in DNAJB13 are known to be pathogenic (PMID: 27486783, 31650533). This variant is not present in population databases (gnomAD no frequency). This variant has not been reported in the literature in individuals affected with DNAJB13-related conditions. Algorithms developed to predict the effect of sequence changes on RNA splicing suggest that this variant may disrupt the consensus splice site. In summary, the currently available evidence indicates that the variant is pathogenic, but additional data are needed to prove that conclusively. Therefore, this variant has been classified as Likely Pathogenic.

Literature cited by the submitters: PubMed 16199547; PubMed 27486783; PubMed 31650533.

NM_153614.4(DNAJB13):c.720+2T>C

Gene: DNAJB13 (DnaJ heat shock protein family (Hsp40) member B13; plus strand). Cytogenetic location: 11q13.4.
Variant type: single nucleotide variant.
Coding change: c.720+2T>C on transcript NM_153614.4 (MANE Select); the canonical splice donor site of the intron after coding-DNA position 720, T replaced by C.
Molecular consequence: splice donor variant.
Genome position (GRCh38, 1-based): chr11:73,968,460, T>C. VCF-style: chr11-73968460-T-C. GRCh37 (hg19) VCF-style: chr11-73679505-T-C.
Other names: c.546+2T>C (NM_001377263.1).
Identifiers: ClinVar variation 2710385 (VCV002710385.3), dbSNP rs2495995561, ClinGen allele CA381809241.